The following is an entry in ClinVar:

ClinVar aggregate classification (germline): Uncertain significance. Review status: criteria provided, multiple submitters, no conflicts (2 of 4 stars). 2 submissions from 2 submitters: Uncertain significance (2). Last evaluated 2025-12-19.

Conditions:
Inborn genetic diseases. Identifiers: MedGen C0950123, MeSH D030342.

Allele frequency attached by ClinVar (database versions not stated): ExAC 0.00001; gnomAD exomes 0.00001; gnomAD 0.00003; TOPMed 0.00003.
gnomAD v4.1: 18 of 1,613,974 alleles (0.0011%); highest among the groups gnomAD compares: African/African-American, 0.0053%; no homozygotes.

Submissions (2):

Ambry Genetics
Classification: Uncertain significance for Inborn genetic diseases. Last evaluated: 2025-12-19. Review status: criteria provided, single submitter. Criteria: Ambry Variant Classification Scheme 2023. Collection method: clinical testing. Allele origin: germline.

Labcorp Genetics (formerly Invitae), Labcorp
Classification: Uncertain significance. Last evaluated: 2022-05-15. Review status: criteria provided, single submitter. Criteria: Invitae Variant Classification Sherloc (09022015). Collection method: clinical testing. Allele origin: germline.
Comment: This sequence change replaces serine, which is neutral and polar, with proline, which is neutral and non-polar, at codon 1765 of the VPS13D protein (p.Ser1765Pro). This variant is present in population databases (rs748469777, gnomAD 0.008%). This variant has not been reported in the literature in individuals affected with VPS13D-related conditions. Algorithms developed to predict the effect of missense changes on protein structure and function are either unavailable or do not agree on the potential impact of this missense change (SIFT: "Deleterious"; PolyPhen-2: "Probably Damaging"; Align-GVGD: "Class C0"). In summary, the available evidence is currently insufficient to determine the role of this variant in disease. Therefore, it has been classified as a Variant of Uncertain Significance.

NM_015378.4(VPS13D):c.5293T>C (p.Ser1765Pro)

Gene: VPS13D (vacuolar protein sorting 13 homolog D; plus strand). Cytogenetic location: 1p36.22.
Variant type: single nucleotide variant.
Coding change: c.5293T>C on transcript NM_015378.4 (MANE Select); coding-DNA position 5293, T replaced by C.
Protein change: p.Ser1765Pro; replaces serine 1765 with proline.
Molecular consequence: missense variant.
Genome position (GRCh38, 1-based): chr1:12,283,395, T>C. VCF-style: chr1-12283395-T-C. GRCh37 (hg19) VCF-style: chr1-12343452-T-C.
Other names: c.5293T>C (NM_015378.2); c.5293T>C, p.Ser1765Pro (NM_018156.4); short protein forms S1765P.
Identifiers: ClinVar variation 1958340 (VCV001958340.3), dbSNP rs748469777, ClinGen allele CA602290.
Genomic context (GRCh38, chr1:12,283,395, plus strand): 5'-GCGTCCCGGAAAAAGCAAAAGGAAGTCCAAGACAAGGACTATCCCTTGACCCCACCTCCT[T>C]CTCCAACAGTGGATGAGCCCAAGATACTTGTTGGAAAGAGTAAATTTGATGATTCCTTAG-3'
Protein context (NP_056193.2, residues 1755-1775): DKDYPLTPPP[Ser1765Pro]PTVDEPKILV